The following is an entry in ClinVar:

NM_001001557.4(GDF6):c.854A>T (p.Gln285Leu)

Gene: GDF6 (growth differentiation factor 6; minus strand). Cytogenetic location: 8q22.1.
Variant type: single nucleotide variant.
Coding change: c.854A>T on transcript NM_001001557.4 (MANE Select); coding-DNA position 854, A replaced by T.
Protein change: p.Gln285Leu; replaces glutamine 285 with leucine.
Molecular consequence: missense variant.
Genome position (GRCh38, 1-based): chr8:96,145,077, T>A on the plus strand (A>T on the coding strand, the complement: GDF6 is on the minus strand). VCF-style: chr8-96145077-T-A. GRCh37 (hg19) VCF-style: chr8-97157305-T-A.
Other names: short protein forms Q285L.
Identifiers: ClinVar variation 1407766 (VCV001407766.6), dbSNP rs757715384, ClinGen allele CA371751662.

ClinVar aggregate classification (germline): Uncertain significance (1 of 4 stars; one submission).

Conditions:
Microphthalmia, isolated, with coloboma 6 (MCOPCB6). Also called: Microphthalmia with coloboma 6, digenic; Microphthalmia with coloboma 6; MICROPHTHALMIA/COLOBOMA 6. Identifiers: Orphanet 98938, MedGen C3150968, MONDO:0013376, OMIM 613703.
Leber congenital amaurosis 17 (LCA17). Identifiers: Orphanet 65, MedGen C3715164, MONDO:0014145, OMIM 615360.
Klippel-Feil syndrome 1, autosomal dominant (KFS1). Also called: CERVICAL VERTEBRAL FUSION, AUTOSOMAL DOMINANT. Identifiers: Orphanet 2345, MedGen C1861689, MONDO:0007306, OMIM 118100.
Isolated microphthalmia 4. Identifiers: Orphanet 2542, MedGen C2751307, MONDO:0013130, OMIM 613094.

Submission:

Labcorp Genetics (formerly Invitae), Labcorp
Classification: Uncertain significance for Isolated microphthalmia 4; Leber congenital amaurosis 17; Klippel-Feil syndrome 1, autosomal dominant; Microphthalmia, isolated, with coloboma 6. Last evaluated: 2024-02-24. Review status: criteria provided, single submitter. Criteria: Invitae Variant Classification Sherloc (09022015). Collection method: clinical testing. Allele origin: germline.
Comment: This sequence change replaces glutamine, which is neutral and polar, with leucine, which is neutral and non-polar, at codon 285 of the GDF6 protein (p.Gln285Leu). This variant is not present in population databases (gnomAD no frequency). This variant has not been reported in the literature in individuals affected with GDF6-related conditions. ClinVar contains an entry for this variant (Variation ID: 1407766). Advanced modeling of protein sequence and biophysical properties (such as structural, functional, and spatial information, amino acid conservation, physicochemical variation, residue mobility, and thermodynamic stability) performed at Invitae indicates that this missense variant is not expected to disrupt GDF6 protein function with a negative predictive value of 80%. In summary, the available evidence is currently insufficient to determine the role of this variant in disease. Therefore, it has been classified as a Variant of Uncertain Significance.